The following is an entry in ClinVar:

NM_006000.3(TUBA4A):c.1143G>C (p.Thr381=)

Gene: TUBA4A (tubulin alpha 4a; minus strand). Cytogenetic location: 2q35.
Variant type: single nucleotide variant.
Coding change: c.1143G>C on transcript NM_006000.3 (MANE Select); coding-DNA position 1143, G replaced by C.
Protein change: p.Thr381=; no amino-acid change (threonine 381 retained).
Molecular consequence: synonymous variant.
Genome position (GRCh38, 1-based): chr2:219,250,556, C>G on the plus strand (G>C on the coding strand, the complement: TUBA4A is on the minus strand). VCF-style: chr2-219250556-C-G. GRCh37 (hg19) VCF-style: chr2-220115278-C-G.
Other names: c.1098G>C, p.Thr366= (NM_001278552.2).
Identifiers: ClinVar variation 4988850 (VCV004988850.1).

ClinVar aggregate classification (germline): Likely benign (1 of 4 stars; one submission).

Conditions:
TUBA4A-related disorder. Also called: TUBA4A-related condition.

gnomAD v4.1: 1 of 1,614,184 alleles (0.000062%); highest among the groups gnomAD compares: Non-Finnish European, 0.000085%; no homozygotes.

Submission:

PreventionGenetics, part of Exact Sciences
Classification: Likely benign for TUBA4A-related condition. Last evaluated: 2025-02-13. Review status: criteria provided, single submitter. Criteria: ACMG Guidelines, 2015. Collection method: clinical testing. Allele origin: germline.
Comment: This variant is classified as likely benign based on ACMG/AMP sequence variant interpretation guidelines (Richards et al. 2015 PMID: 25741868, with internal and published modifications).